The following is an entry in ClinVar:

NM_000092.5(COL4A4):c.582del (p.Pro195fs)

Gene: COL4A4 (collagen type IV alpha 4 chain; minus strand). Cytogenetic location: 2q36.3.
Variant type: Deletion.
Coding change: c.582del on transcript NM_000092.5 (MANE Select); coding-DNA position 582, one base deleted (G; older notation c.582delG).
Protein change: p.Pro195fs; shifts the reading frame from proline 195.
Molecular consequence: frameshift variant.
Genome position (GRCh38, 1-based): chr2:227,111,690, C deleted on the plus strand (G on the coding strand, the reverse complement: COL4A4 is on the minus strand). VCF-style (leftmost placement, unchanged base first): chr2-227111689-GC-G. GRCh37 (hg19) VCF-style: chr2-227976405-GC-G.
Other names: short protein forms P195fs.
Identifiers: ClinVar variation 5014524 (VCV005014524.1).

ClinVar aggregate classification (germline): Pathogenic (1 of 4 stars; one submission).

Conditions:
Alport syndrome. Also called: Hemorrhagic familial nephritis; Hemorrhagic hereditary nephritis; Congenital hereditary hematuria. Identifiers: Orphanet 63, MedGen C1567741, MONDO:0018965.

Submission:

Myriad Genetics, Inc.
Classification: Pathogenic for Alport syndrome. Last evaluated: 2025-05-27. Review status: criteria provided, single submitter. Criteria: Myriad Autosomal Dominant, Autosomal Recessive and X-Linked Classification Criteria (2023). Collection method: clinical testing. Allele origin: unknown.
Comment: NM_000092.4(COL4A4):c.582delG(P195Lfs*24) is expected to be pathogenic in the context of Alport syndrome, COL4A4-related. This variant is predicted to lead to an abnormal or absent protein product due to the creation of a premature termination codon in COL4A4, a gene where loss-of-function variants are known to be pathogenic. Please note: this variant was assessed in the context of healthy population screening.